The following is an entry in ClinVar:

ClinVar aggregate classification (germline): Conflicting classifications of pathogenicity. Review status: criteria provided, conflicting classifications (1 of 4 stars). 2 submissions from 2 submitters: Uncertain significance (1); Likely benign (1). Last evaluated 2025-07-01.

Conditions:
Inborn genetic diseases. Identifiers: MedGen C0950123, MeSH D030342.

Allele frequency attached by ClinVar (database versions not stated): gnomAD exomes 0.00001; gnomAD 0.00002; TOPMed 0.00002.
gnomAD v4.1: 19 of 1,614,048 alleles (0.0012%); highest among the groups gnomAD compares: Non-Finnish European, 0.0015%; no homozygotes.

Submissions (2):

Ambry Genetics
Classification: Likely benign for Inborn genetic diseases. Last evaluated: 2025-07-01. Review status: criteria provided, single submitter. Criteria: Ambry Variant Classification Scheme 2023. Collection method: clinical testing. Allele origin: germline.

CeGaT Center for Human Genetics Tuebingen
Classification: Uncertain significance. Last evaluated: 2022-10-01. Review status: criteria provided, single submitter. Criteria: CeGaT Center For Human Genetics Tuebingen Variant Classification Criteria Version 2. Collection method: clinical testing. Allele origin: germline. Affected: yes. Observed: 1 variant allele.
Comment: SFXN4: PM2, BP4

NM_213649.2(SFXN4):c.761T>C (p.Ile254Thr)

Gene: SFXN4 (sideroflexin 4; minus strand). Cytogenetic location: 10q26.11.
Variant type: single nucleotide variant.
Coding change: c.761T>C on transcript NM_213649.2 (MANE Select); coding-DNA position 761, T replaced by C.
Protein change: p.Ile254Thr; replaces isoleucine 254 with threonine.
Molecular consequence: missense variant. On other transcripts: non-coding transcript variant (1).
Genome position (GRCh38, 1-based): chr10:119,147,832, A>G on the plus strand (T>C on the coding strand, the complement: SFXN4 is on the minus strand). VCF-style: chr10-119147832-A-G. GRCh37 (hg19) VCF-style: chr10-120907344-A-G.
Other names: c.761T>C (NM_213649.1); c.761T>C, p.Ile254Thr (NM_213650.1); short protein forms I254T.
Identifiers: ClinVar variation 1879145 (VCV001879145.30), dbSNP rs977248748, ClinGen allele CA214166534.
Genomic context (GRCh38, chr10:119,147,832, plus strand): 5'-TACCTTTTAAAAAAGTAGGTGAAGACTTCAGGAATCAGAGCTGAGGTCCCAAACAGCACT[A>G]TTCTGGATGCTAGCGTTTCTCTAACAGCCTAGCAAAAATGAAAAGAAAACAGCTTAGGTT-3'
Protein context (NP_998814.1, residues 244-264): KAVRETLASR[Ile254Thr]VLFGTSALIP